The following is an entry in ClinVar:

NM_000685.5(AGTR1):c.37del (p.Arg13fs)

Gene: AGTR1 (angiotensin II receptor type 1; plus strand). Cytogenetic location: 3q24.
Variant type: Deletion.
Coding change: c.37del on transcript NM_000685.5 (MANE Select); coding-DNA position 37, one base deleted (A; older notation c.37delA).
Protein change: p.Arg13fs; shifts the reading frame from arginine 13.
Molecular consequence: frameshift variant.
Genome position (GRCh38, 1-based): chr3:148,741,072, A deleted; the last of 4 consecutive A bases (chr3:148,741,069-148,741,072); deleting any one gives the same sequence. VCF-style (leftmost placement, unchanged base first): chr3-148741068-TA-T. GRCh37 (hg19) VCF-style: chr3-148458855-TA-T.
Other names: c.37del, p.Arg13fs (NM_001382736.1, NM_001382737.1, NM_004835.5 and 3 more transcripts); short protein forms R13fs.
Identifiers: ClinVar variation 2630021 (VCV002630021.1), dbSNP rs2472792259, ClinGen allele CA2695199294.

ClinVar aggregate classification (germline): Uncertain significance (1 of 4 stars; one submission).

Conditions:
AGTR1-related disorder. Also called: AGTR1-related condition.

Submission:

PreventionGenetics, part of Exact Sciences
Classification: Uncertain significance for AGTR1-related condition. Last evaluated: 2023-01-07. Review status: criteria provided, single submitter. Criteria: ACMG Guidelines, 2015. Collection method: clinical testing. Allele origin: germline.
Comment: The AGTR1 c.142delA variant is predicted to result in a frameshift and premature protein termination (p.Arg48Glufs*18). To our knowledge, this variant has not been reported in the literature or in a large population database, indicating this variant is rare. This variant resides in the final exon of this gene, and it is unclear if the resulting mRNA would undergo nonsense-mediated decay. Although we suspect that this variant may be pathogenic, at this time, the clinical significance of this variant is uncertain due to the absence of conclusive functional and genetic evidence.